The following is an entry in ClinVar:

ClinVar aggregate classification (germline): Uncertain significance. Review status: criteria provided, multiple submitters, no conflicts (2 of 4 stars). 2 submissions from 2 submitters: Uncertain significance (2). Last evaluated 2025-07-17.

Conditions:
Cardiac arrhythmia. Also called: Arrhythmia; Cardiac rhythm disease. Identifiers: MedGen C0003811, MONDO:0007263, HP:0011675.

gnomAD v4.1: 1 of 1,612,080 alleles (0.000062%); highest among the groups gnomAD compares: Non-Finnish European, 0.000085%; no homozygotes.

Submissions (2):

Color Diagnostics, LLC DBA Color Health
Classification: Uncertain significance for Cardiac arrhythmia. Last evaluated: 2025-07-17. Review status: criteria provided, single submitter. Criteria: ACMG Guidelines, 2015. Collection method: clinical testing. Allele origin: germline.
Comment: This missense variant replaces phenylalanine with serine at codon 256 of the KCNQ1 protein. Computational prediction suggests that this variant may have deleterious impact on protein structure and function. To our knowledge, functional studies have not been reported for this variant. This variant has not been reported in individuals affected with KCNQ1-related disorders in the literature. This variant has not been identified in the general population by the Genome Aggregation Database (gnomAD). The available evidence is insufficient to determine the role of this variant in disease conclusively. Therefore, this variant is classified as a Variant of Uncertain Significance.

GeneDx
Classification: Uncertain significance. Last evaluated: 2025-06-30. Review status: criteria provided, single submitter. Criteria: GeneDx Variant Classification Process June 2021. Collection method: clinical testing. Allele origin: germline. Affected: yes.
Comment: Not observed at significant frequency in large population cohorts (gnomAD); In silico analysis supports that this missense variant has a deleterious effect on protein structure/function; Has not been previously published as pathogenic or benign to our knowledge

NM_000218.3(KCNQ1):c.767T>C (p.Phe256Ser)

Gene: KCNQ1 (potassium voltage-gated channel subfamily Q member 1; plus strand). Cytogenetic location: 11p15.5.
Variant type: single nucleotide variant.
Coding change: c.767T>C on transcript NM_000218.3 (MANE Select); coding-DNA position 767, T replaced by C.
Protein change: p.Phe256Ser; replaces phenylalanine 256 with serine.
Molecular consequence: missense variant. On other transcripts: intron variant (1).
Genome position (GRCh38, 1-based): chr11:2,572,096, T>C. VCF-style: chr11-2572096-T-C. GRCh37 (hg19) VCF-style: chr11-2593326-T-C.
Other names: c.767T>C, p.Phe256Ser (NM_001406836.1); c.497T>C, p.Phe166Ser (NM_001406837.1); c.386T>C, p.Phe129Ser (NM_181798.2); c.478-11339T>C (NM_001406838.1); short protein forms F129S, F166S, F256S.
Identifiers: ClinVar variation 4680897 (VCV004680897.2).